The following is an entry in ClinVar:

ClinVar aggregate classification (germline): Likely benign. Review status: criteria provided, multiple submitters, no conflicts (2 of 4 stars). 3 submissions from 3 submitters: Likely benign (3). Last evaluated 2025-09-21.

Conditions:
Multiple endocrine neoplasia, type 2 (MEN2). Identifiers: Orphanet 653, MedGen C4048306, MONDO:0019003. Disease mechanism: gain of function.
Hereditary cancer-predisposing syndrome. Also called: Tumor predisposition; Hereditary neoplastic syndrome; Neoplastic Syndromes, Hereditary; Hereditary Cancer Syndrome. Identifiers: Orphanet 140162, MedGen C0027672, MeSH D009386, MONDO:0015356.

Submissions (3):

Labcorp Genetics (formerly Invitae), Labcorp
Classification: Likely benign for Multiple endocrine neoplasia, type 2. Last evaluated: 2025-09-21. Review status: criteria provided, single submitter. Criteria: Invitae Variant Classification Sherloc (09022015). Collection method: clinical testing. Allele origin: germline.

All of Us Research Program, National Institutes of Health
Classification: Likely benign for Multiple endocrine neoplasia, type 2. Last evaluated: 2024-02-05. Review status: criteria provided, single submitter. Criteria: ACMG Guidelines, 2015. Collection method: clinical testing. Allele origin: germline. Inheritance: Autosomal dominant inheritance. Observed: 1 variant allele, 1 heterozygote.
Comment: This study involves interpretation of variants in research participants for the purpose of population health screening. Participant phenotype was not available at the time of variant classification. Additional details can be found in publication PMID: 35346344, PMCID: PMC8962531

Ambry Genetics
Classification: Likely benign for Hereditary cancer-predisposing syndrome. Last evaluated: 2019-09-29. Review status: criteria provided, single submitter. Criteria: Ambry Variant Classification Scheme 2023. Collection method: clinical testing. Allele origin: germline.

NM_020975.6(RET):c.1194G>A (p.Leu398=)

Gene: RET (ret proto-oncogene; plus strand). Cytogenetic location: 10q11.21.
Variant type: single nucleotide variant.
Coding change: c.1194G>A on transcript NM_020975.6 (MANE Select); coding-DNA position 1194, G replaced by A.
Protein change: p.Leu398=; no amino-acid change (leucine 398 retained).
Molecular consequence: synonymous variant. On other transcripts: intron variant (18).
Genome position (GRCh38, 1-based): chr10:43,109,161, G>A. VCF-style: chr10-43109161-G-A. GRCh37 (hg19) VCF-style: chr10-43604609-G-A.
Other names: c.1194G>A, p.Leu398= (NM_000323.2, NM_001406743.1, NM_001406744.1 and 6 more transcripts); c.432G>A, p.Leu144= (NM_001355216.2); c.1065G>A, p.Leu355= (NM_001406761.1, NM_001406762.1, NM_001406764.1 and 1 more transcripts); c.906G>A, p.Leu302= (NM_001406766.1, NM_001406767.1, NM_001406770.1); c.756G>A, p.Leu252= (NM_001406771.1, NM_001406773.1); c.468G>A, p.Leu156= (NM_001406775.1, NM_001406776.1, NM_001406777.1 and 1 more transcripts); c.204G>A, p.Leu68= (NM_001406784.1); c.868-2046G>A (NM_001406772.1, NM_001406769.1); and 5 more.
Identifiers: ClinVar variation 818509 (VCV000818509.14), dbSNP rs1588869481, ClinGen allele CA469026306.